The following is an entry in ClinVar:

NM_017654.4(SAMD9):c.253A>G (p.Thr85Ala)

Gene: SAMD9 (sterile alpha motif domain containing 9; minus strand). Cytogenetic location: 7q21.2.
Variant type: single nucleotide variant.
Coding change: c.253A>G on transcript NM_017654.4 (MANE Select); coding-DNA position 253, A replaced by G.
Protein change: p.Thr85Ala; replaces threonine 85 with alanine.
Molecular consequence: missense variant.
Genome position (GRCh38, 1-based): chr7:93,105,845, T>C on the plus strand (A>G on the coding strand, the complement: SAMD9 is on the minus strand). VCF-style: chr7-93105845-T-C. GRCh37 (hg19) VCF-style: chr7-92735158-T-C.
Other names: c.253A>G, p.Thr85Ala (NM_001193307.2); c.253A>G (NM_017654.3); short protein forms T85A.
Identifiers: ClinVar variation 1514896 (VCV001514896.4), dbSNP rs1562776424, ClinGen allele CA368205643.
Genomic context (GRCh38, chr7:93,105,845, plus strand): 5'-CCTTTTGAGACACAGTTTGGTCTTTAGGAGCATTTTTACTGGGCTTTCCCATCTTAGATG[T>C]CTGAATCGAATCTTCAATGGCTGTTTTCCGCAATTCTTTGAATAGTTCTTCTATTTGAAT-3'
Protein context (NP_060124.2, residues 75-95): RKTAIEDSIQ[Thr85Ala]SKMGKPSKNA

ClinVar aggregate classification (germline): Uncertain significance. Review status: criteria provided, multiple submitters, no conflicts (2 of 4 stars). 2 submissions from 2 submitters: Uncertain significance (2). Last evaluated 2025-05-24.

Allele frequency attached by ClinVar (database versions not stated): gnomAD exomes below 0.00001; TOPMed below 0.00001.
gnomAD v4.1: 2 of 1,614,176 alleles (0.00012%); highest among the groups gnomAD compares: Non-Finnish European, 0.00017%; no homozygotes.

Submissions (2):

Labcorp Genetics (formerly Invitae), Labcorp
Classification: Uncertain significance. Last evaluated: 2025-05-24. Review status: criteria provided, single submitter. Criteria: Invitae Variant Classification Sherloc (09022015). Collection method: clinical testing. Allele origin: germline.
Comment: This sequence change replaces threonine, which is neutral and polar, with alanine, which is neutral and non-polar, at codon 85 of the SAMD9 protein (p.Thr85Ala). This variant is not present in population databases (gnomAD no frequency). This missense change has been observed in individual(s) with pseudoxanthoma elasticum (PMID: 34906475). ClinVar contains an entry for this variant (Variation ID: 1514896). Invitae Evidence Modeling of protein sequence and biophysical properties (such as structural, functional, and spatial information, amino acid conservation, physicochemical variation, residue mobility, and thermodynamic stability) indicates that this missense variant is not expected to disrupt SAMD9 protein function with a negative predictive value of 95%. In summary, the available evidence is currently insufficient to determine the role of this variant in disease. Therefore, it has been classified as a Variant of Uncertain Significance.

GeneDx
Classification: Uncertain significance. Last evaluated: 2022-08-15. Review status: criteria provided, single submitter. Criteria: GeneDx Variant Classification Process June 2021. Collection method: clinical testing. Allele origin: germline. Affected: yes.
Comment: Not observed at significant frequency in large population cohorts (gnomAD); In silico analysis supports that this missense variant does not alter protein structure/function; Observed in an individual with ectopic mineralization (Saeidian et al., 2022); This variant is associated with the following publications: (PMID: 34906475)

Literature cited by the submitters: PubMed 34906475 (cited by Labcorp Genetics (formerly Invitae), Labcorp).